The following is an entry in ClinVar:

NM_004397.6(DDX6):c.865-3dup

Gene: DDX6 (DEAD-box helicase 6; minus strand). Cytogenetic location: 11q23.3.
Variant type: Duplication.
Coding change: c.865-3dup on transcript NM_004397.6 (MANE Select); 3 bases into the intron before coding-DNA position 865, one base duplicated (C; older notation c.865-3dupC).
Molecular consequence: intron variant.
Genome position (GRCh38, 1-based): chr11:118,758,905, G duplicated on the plus strand (C on the coding strand, the reverse complement: DDX6 is on the minus strand); the first of 8 consecutive G bases (chr11:118,758,905-118,758,912); duplicating any one gives the same sequence. VCF-style (leftmost placement, unchanged base first): chr11-118758904-T-TG. GRCh37 (hg19) VCF-style: chr11-118629613-T-TG.
Other names: c.865-3dupC (NM_001257191.2); c.865-3dup (NM_001257191.3).
Identifiers: ClinVar variation 718090 (VCV000718090.31), dbSNP rs200755405, ClinGen allele CA6308408.
Genomic context (GRCh38, chr11:118,758,904, plus strand): 5'-CCCTTCAGAGTTAGTTCCTCCATCAGGTTAATCTCATAGGGTTTCTGCAAATGGGAATTC[T>TG]GGGGGGGGAGCGGGAAAAAGATGAGTCGTCGTCTTAAATGAAAGCAGAGTTCATCTCAAA-3'

ClinVar aggregate classification (germline): Benign/Likely benign. Review status: criteria provided, multiple submitters, no conflicts (2 of 4 stars). 3 submissions from 3 submitters: Benign (1); Likely benign (1). 1 of the submissions does not count toward it. Last evaluated 2026-08-01.

Conditions:
DDX6-related disorder. Also called: DDX6-related condition.

Submissions (3):

CeGaT Center for Human Genetics Tuebingen
Classification: Likely benign. Last evaluated: 2026-08-01. Review status: criteria provided, single submitter. Criteria: CeGaT Center For Human Genetics Tuebingen Variant Classification Criteria Version 2. Collection method: clinical testing. Allele origin: germline. Affected: yes. Observed: 3 variant alleles.
Comment: DDX6: BS1

Labcorp Genetics (formerly Invitae), Labcorp
Classification: Benign. Last evaluated: 2018-08-08. Review status: criteria provided, single submitter. Criteria: Invitae Variant Classification Sherloc (09022015). Collection method: clinical testing. Allele origin: germline.

PreventionGenetics, part of Exact Sciences
Classification: Likely benign for DDX6-related condition. Last evaluated: 2020-05-07. Review status: no assertion criteria provided. Collection method: clinical testing. Allele origin: germline. Not counted in ClinVar's aggregate classification.
Comment: This variant is classified as likely benign based on ACMG/AMP sequence variant interpretation guidelines (Richards et al. 2015 PMID: 25741868, with internal and published modifications).